The following is an entry in ClinVar:

NM_001129.5(AEBP1):c.213G>T (p.Ala71=)

Gene: AEBP1 (AE binding protein 1; plus strand). Cytogenetic location: 7p13.
Variant type: single nucleotide variant.
Coding change: c.213G>T on transcript NM_001129.5 (MANE Select); coding-DNA position 213, G replaced by T.
Protein change: p.Ala71=; no amino-acid change (alanine 71 retained).
Molecular consequence: synonymous variant.
Genome position (GRCh38, 1-based): chr7:44,104,878, G>T. VCF-style: chr7-44104878-G-T. GRCh37 (hg19) VCF-style: chr7-44144477-G-T.
Other names: c.213G>T (NM_001129.4).
Identifiers: ClinVar variation 1653454 (VCV001653454.10), dbSNP rs777461260, ClinGen allele CA157877058.

ClinVar aggregate classification (germline): Likely benign. Review status: criteria provided, multiple submitters, no conflicts (2 of 4 stars). 3 submissions from 3 submitters: Likely benign (3). Last evaluated 2026-04-01.

Conditions:
AEBP1-related disorder. Also called: AEBP1-related condition.

Allele frequency attached by ClinVar (database versions not stated): gnomAD 0.00007 and 0.00010.
gnomAD v4.1: 100 of 1,560,198 alleles (0.0064%); highest among the groups gnomAD compares: Admixed American, 0.063%; no homozygotes.

Submissions (3):

PreventionGenetics, part of Exact Sciences
Classification: Likely benign for AEBP1-related condition. Last evaluated: 2026-04-01. Review status: criteria provided, single submitter. Criteria: ACMG Guidelines, 2015. Collection method: clinical testing. Allele origin: germline.
Comment: This variant is classified as likely benign based on ACMG/AMP sequence variant interpretation guidelines (Richards et al. 2015 PMID: 25741868, with internal and published modifications).

Labcorp Genetics (formerly Invitae), Labcorp
Classification: Likely benign. Last evaluated: 2025-06-13. Review status: criteria provided, single submitter. Criteria: Invitae Variant Classification Sherloc (09022015). Collection method: clinical testing. Allele origin: germline.

Women's Health and Genetics/Laboratory Corporation of America, LabCorp
Classification: Likely benign. Last evaluated: 2025-03-18. Review status: criteria provided, single submitter. Criteria: LabCorp Variant Classification Summary - May 2015. Collection method: clinical testing. Allele origin: germline.